The following is an entry in ClinVar:

ClinVar aggregate classification (germline): Uncertain significance (1 of 4 stars; one submission).

Submission:

GeneDx
Classification: Uncertain significance. Last evaluated: 2025-03-17. Review status: criteria provided, single submitter. Criteria: GeneDx Variant Classification Process June 2021. Collection method: clinical testing. Allele origin: germline. Affected: yes.
Comment: Not observed at significant frequency in large population cohorts (gnomAD); In-frame deletion of 1 amino acid(s) in a non-repeat region; Has not been previously published as pathogenic or benign to our knowledge

NM_001367873.1(SOX6):c.1320_1322dup (p.Thr441_Ser442insThr)

Gene: SOX6 (SRY-box transcription factor 6; minus strand). Cytogenetic location: 11p15.2.
Variant type: Duplication.
Coding change: c.1320_1322dup on transcript NM_001367873.1 (MANE Select); coding-DNA positions 1320 to 1322, 3 bases duplicated (AAC; older notation c.1320_1322dupAAC).
Protein change: p.Thr441_Ser442insThr.
Molecular consequence: inframe insertion.
Genome position (GRCh38, 1-based): chr11:16,049,868-16,049,870, GTT duplicated on the plus strand (AAC on the coding strand, the reverse complement: SOX6 is on the minus strand); duplicating any 3 consecutive bases within chr11:16,049,868-16,049,871 gives the same sequence; the c. name uses the placement nearest the transcript's 3' end. VCF-style (leftmost placement, unchanged base first): chr11-16049867-C-CGTT. GRCh37 (hg19) VCF-style: chr11-16071413-C-CGTT.
Other names: c.1197_1199dup, p.Thr400_Ser401insThr (NM_001145811.2, NM_001367872.1, NM_017508.3); c.1320_1322dup, p.Thr441_Ser442insThr (NM_001145819.2, NM_033326.3).
Identifiers: ClinVar variation 4086690 (VCV004086690.1).
Genomic context (GRCh38, chr11:16,049,867, plus strand): 5'-TTTGTTTGGCAGATTGACAGGGCTGGTTTTGCTGGCTGGGAAGAGGTTCTGGGTGGGAGA[C>CGTT]GTTGGGGACTTTACAGGCTCTGCTGTCTTGGGTCGGGATGAGAGATTCAGAGGCTGTGCT-3'